The following is an entry in ClinVar:

NM_004991.4(MECOM):c.2591A>G (p.Asp864Gly)

Gene: MECOM (MDS1 and EVI1 complex locus; minus strand). Cytogenetic location: 3q26.2.
Variant type: single nucleotide variant.
Coding change: c.2591A>G on transcript NM_004991.4 (MANE Select); coding-DNA position 2591, A replaced by G.
Protein change: p.Asp864Gly; replaces aspartic acid 864 with glycine.
Molecular consequence: missense variant. On other transcripts: intron variant (8).
Genome position (GRCh38, 1-based): chr3:169,107,939, T>C on the plus strand (A>G on the coding strand, the complement: MECOM is on the minus strand). VCF-style: chr3-169107939-T-C. GRCh37 (hg19) VCF-style: chr3-168825727-T-C.
Other names: c.1605+4848A>G (NM_001366473.2); c.2577+4848A>G (NM_001366466.2); c.1041+4848A>G (NM_001366474.2); c.2013+4848A>G (NM_001164000.2, NM_001366471.2, NM_001366472.2); c.2016+4848A>G (NM_001366470.2, NM_001163999.2); c.2222A>G, p.Asp741Gly (NM_001105077.4); c.2027A>G, p.Asp676Gly (NM_001105078.4, NM_001205194.2, NM_001366469.2 and 1 more transcripts); c.2030A>G, p.Asp677Gly (NM_001366467.2, NM_001366468.2); short protein forms D676G, D864G, D677G, D741G.
Identifiers: ClinVar variation 3871798 (VCV003871798.1).

ClinVar aggregate classification (germline): Uncertain significance (1 of 4 stars; one submission).

Conditions:
Inborn genetic diseases. Identifiers: MedGen C0950123, MeSH D030342.

gnomAD v4.1: 4 of 1,613,000 alleles (0.00025%); highest among the groups gnomAD compares: Non-Finnish European, 0.00034%; no homozygotes.

Submission:

Ambry Genetics
Classification: Uncertain significance for Inborn genetic diseases. Last evaluated: 2025-02-05. Review status: criteria provided, single submitter. Criteria: Ambry Variant Classification Scheme 2023. Collection method: clinical testing. Allele origin: germline.
Comment: The p.D864G variant (also known as c.2591A>G), located in coding exon 10 of the MECOM gene, results from an A to G substitution at nucleotide position 2591. The aspartic acid at codon 864 is replaced by glycine, an amino acid with similar properties. This amino acid position is conserved. In addition, the in silico prediction for this alteration is inconclusive. Based on the available evidence, the clinical significance of this variant remains unclear.